The following is an entry in ClinVar:

ClinVar aggregate classification (germline): Uncertain significance (1 of 4 stars; one submission).

Submission:

Labcorp Genetics (formerly Invitae), Labcorp
Classification: Uncertain significance. Last evaluated: 2021-08-02. Review status: criteria provided, single submitter. Criteria: Invitae Variant Classification Sherloc (09022015). Collection method: clinical testing. Allele origin: germline.
Comment: In summary, the available evidence is currently insufficient to determine the role of this variant in disease. Therefore, it has been classified as a Variant of Uncertain Significance. This variant has not been reported in the literature in individuals affected with KRT17-related conditions. This variant is a gross deletion of the genomic region encompassing exon(s) 1 of the KRT17 gene, which includes the initiator codon. This deletion extends beyond the assayed region for this gene and therefore may encompass additional genes. It is expected to result in an absent or disrupted protein product. However, the current clinical and genetic evidence is not sufficient to establish whether loss-of-function variants in KRT17 cause disease.

NC_000017.10:g.(?_39780310)_(39780761_?)del

Gene: KRT17 (keratin 17; minus strand). Cytogenetic location: 17q21.2.
Variant type: Deletion.
Identifiers: ClinVar variation 1519921 (VCV001519921.4).